The following is an entry in ClinVar:

NM_001122769.3(LCA5):c.1790G>A (p.Arg597Lys)

Gene: LCA5 (lebercilin LCA5; minus strand). Cytogenetic location: 6q14.1.
Variant type: single nucleotide variant.
Coding change: c.1790G>A on transcript NM_001122769.3 (MANE Select); coding-DNA position 1790, G replaced by A.
Protein change: p.Arg597Lys; replaces arginine 597 with lysine.
Molecular consequence: missense variant.
Genome position (GRCh38, 1-based): chr6:79,487,308, C>T on the plus strand (G>A on the coding strand, the complement: LCA5 is on the minus strand). VCF-style: chr6-79487308-C-T. GRCh37 (hg19) VCF-style: chr6-80197025-C-T.
Other names: c.1790G>A, p.Arg597Lys (NM_181714.4); short protein forms R597K.
Identifiers: ClinVar variation 1014700 (VCV001014700.6), dbSNP rs754926913, ClinGen allele CA3900772.

ClinVar aggregate classification (germline): Uncertain significance (1 of 4 stars; one submission).

gnomAD v4.1: 4 of 1,613,888 alleles (0.00025%); highest among the groups gnomAD compares: African/African-American, 0.0013%; no homozygotes.

Submission:

Labcorp Genetics (formerly Invitae), Labcorp
Classification: Uncertain significance. Last evaluated: 2021-08-27. Review status: criteria provided, single submitter. Criteria: Invitae Variant Classification Sherloc (09022015). Collection method: clinical testing. Allele origin: germline.
Comment: This sequence change replaces arginine with lysine at codon 597 of the LCA5 protein (p.Arg597Lys). The arginine residue is highly conserved and there is a small physicochemical difference between arginine and lysine. This variant is present in population databases (rs754926913, ExAC 0.01%). This variant has not been reported in the literature in individuals affected with LCA5-related conditions. Algorithms developed to predict the effect of missense changes on protein structure and function output the following: SIFT: "Deleterious"; PolyPhen-2: "Benign"; Align-GVGD: "Class C0". The lysine amino acid residue is found in multiple mammalian species, which suggests that this missense change does not adversely affect protein function. In summary, the available evidence is currently insufficient to determine the role of this variant in disease. Therefore, it has been classified as a Variant of Uncertain Significance.